The following is an entry in ClinVar:

NM_005257.6(GATA6):c.503G>A (p.Gly168Asp)

Gene: GATA6 (GATA binding protein 6; plus strand). Cytogenetic location: 18q11.2.
Variant type: single nucleotide variant.
Coding change: c.503G>A on transcript NM_005257.6 (MANE Select); coding-DNA position 503, G replaced by A.
Protein change: p.Gly168Asp; replaces glycine 168 with aspartic acid.
Molecular consequence: missense variant.
Genome position (GRCh38, 1-based): chr18:22,171,647, G>A. VCF-style: chr18-22171647-G-A. GRCh37 (hg19) VCF-style: chr18-19751608-G-A.
Other names: short protein forms G168D.
Identifiers: ClinVar variation 1024771 (VCV001024771.11), dbSNP rs917494899, ClinGen allele CA297147685.

ClinVar aggregate classification (germline): Uncertain significance. Review status: criteria provided, multiple submitters, no conflicts (2 of 4 stars). 2 submissions from 2 submitters: Uncertain significance (2). Last evaluated 2025-10-22.

Conditions:
Atrioventricular septal defect 5 (AVSD5). Identifiers: MedGen C3280939, MONDO:0013769, OMIM 614474.

Allele frequency attached by ClinVar (database versions not stated): TOPMed 0.00001.

Submissions (2):

Labcorp Genetics (formerly Invitae), Labcorp
Classification: Uncertain significance for Atrioventricular septal defect 5. Last evaluated: 2025-10-22. Review status: criteria provided, single submitter. Criteria: Invitae Variant Classification Sherloc (09022015). Collection method: clinical testing. Allele origin: germline.
Comment: This sequence change replaces glycine, which is neutral and non-polar, with aspartic acid, which is acidic and polar, at codon 168 of the GATA6 protein (p.Gly168Asp). This variant is not present in population databases (gnomAD no frequency). This variant has not been reported in the literature in individuals affected with GATA6-related conditions. ClinVar contains an entry for this variant (Variation ID: 1024771). Invitae Evidence Modeling of protein sequence and biophysical properties (such as structural, functional, and spatial information, amino acid conservation, physicochemical variation, residue mobility, and thermodynamic stability) indicates that this missense variant is not expected to disrupt GATA6 protein function with a negative predictive value of 80%. In summary, the available evidence is currently insufficient to determine the role of this variant in disease. Therefore, it has been classified as a Variant of Uncertain Significance.

GeneDx
Classification: Uncertain significance. Last evaluated: 2022-03-29. Review status: criteria provided, single submitter. Criteria: GeneDx Variant Classification Process June 2021. Collection method: clinical testing. Allele origin: germline. Affected: yes.
Comment: Has not been previously published as pathogenic or benign to our knowledge; Not observed at significant frequency in large population cohorts (gnomAD); In silico analysis supports that this missense variant does not alter protein structure/function